The following is an entry in ClinVar:

ClinVar aggregate classification (germline): Uncertain significance (1 of 4 stars; one submission).

Submission:

Labcorp Genetics (formerly Invitae), Labcorp
Classification: Uncertain significance. Last evaluated: 2022-06-02. Review status: criteria provided, single submitter. Criteria: Invitae Variant Classification Sherloc (09022015). Collection method: clinical testing. Allele origin: germline.
Comment: This sequence change replaces isoleucine, which is neutral and non-polar, with valine, which is neutral and non-polar, at codon 291 of the SLC30A10 protein (p.Ile291Val). This variant is not present in population databases (gnomAD no frequency). This variant has not been reported in the literature in individuals affected with SLC30A10-related conditions. Algorithms developed to predict the effect of missense changes on protein structure and function are either unavailable or do not agree on the potential impact of this missense change (SIFT: "Tolerated"; PolyPhen-2: "Possibly Damaging"; Align-GVGD: "Class C0"). In summary, the available evidence is currently insufficient to determine the role of this variant in disease. Therefore, it has been classified as a Variant of Uncertain Significance.

NM_018713.3(SLC30A10):c.871A>G (p.Ile291Val)

Gene: SLC30A10 (solute carrier family 30 member 10; minus strand). Cytogenetic location: 1q41.
Variant type: single nucleotide variant.
Coding change: c.871A>G on transcript NM_018713.3 (MANE Select); coding-DNA position 871, A replaced by G.
Protein change: p.Ile291Val; replaces isoleucine 291 with valine.
Molecular consequence: missense variant. On other transcripts: non-coding transcript variant (2).
Genome position (GRCh38, 1-based): chr1:219,918,342, T>C on the plus strand (A>G on the coding strand, the complement: SLC30A10 is on the minus strand). VCF-style: chr1-219918342-T-C. GRCh37 (hg19) VCF-style: chr1-220091684-T-C.
Other names: c.196A>G, p.Ile66Val (NM_001416005.1, NM_001416004.1); c.682A>G, p.Ile228Val (NM_001376929.1); short protein forms I228V, I66V, I291V.
Identifiers: ClinVar variation 2116840 (VCV002116840.4), dbSNP rs2527859440, ClinGen allele CA344732678.
Genomic context (GRCh38, chr1:219,918,342, plus strand): 5'-GGACCATCTGTAGCAGAATGGCAGCGGTCTCCTTGATAAGCGGGAAGGCAGATGACAAAA[T>C]GATGATGACCATGAGGACAGTCAGGCTGGGGTCAATGTAACACTGCCAGTTACACGGGTC-3'
Protein context (NP_061183.2, residues 281-301): PSLTVLMVII[Ile291Val]LSSAFPLIKE